The following is an entry in ClinVar:

NM_000038.6(APC):c.6994G>A (p.Gly2332Ser)

Gene: APC (APC regulator of Wnt signaling pathway; plus strand). Cytogenetic location: 5q22.2.
Variant type: single nucleotide variant.
Coding change: c.6994G>A on transcript NM_000038.6 (MANE Select); coding-DNA position 6994, G replaced by A.
Protein change: p.Gly2332Ser; replaces glycine 2332 with serine.
Molecular consequence: missense variant.
Genome position (GRCh38, 1-based): chr5:112,842,588, G>A. VCF-style: chr5-112842588-G-A. GRCh37 (hg19) VCF-style: chr5-112178285-G-A.
Other names: c.6994G>A, p.Gly2332Ser (NM_001127510.3, NM_001354895.2); c.6940G>A, p.Gly2314Ser (NM_001127511.3); c.7048G>A, p.Gly2350Ser (NM_001354896.2); c.7024G>A, p.Gly2342Ser (NM_001354897.2); c.6919G>A, p.Gly2307Ser (NM_001354898.2); c.6910G>A, p.Gly2304Ser (NM_001354899.2); c.6871G>A, p.Gly2291Ser (NM_001354900.2); c.6817G>A, p.Gly2273Ser (NM_001354901.2); and 5 more; short protein forms G2314S, G2332S, G2231S, G2273S, G2304S, G2307S, G2241S, G2342S.
Identifiers: ClinVar variation 559946 (VCV000559946.13), dbSNP rs1389311736, ClinGen allele CA16036576.

ClinVar aggregate classification (germline): Uncertain significance. Review status: criteria provided, multiple submitters, no conflicts (2 of 4 stars). 4 submissions from 4 submitters: Uncertain significance (3). 1 of the submissions does not count toward it. Last evaluated 2025-09-17.

Conditions:
Sigmoid colon cancer. Also called: Malignant tumor of sigmoid colon. Identifiers: MedGen C0153436, MONDO:0001464.
Familial adenomatous polyposis 1 (FAP1). Also called: FAMILIAL ADENOMATOUS POLYPOSIS 1, ATTENUATED; POLYPOSIS, ADENOMATOUS INTESTINAL. Identifiers: MedGen C2713442, MONDO:0021056, OMIM 175100. Disease mechanism: loss of function.
Hereditary cancer-predisposing syndrome. Also called: Hereditary neoplastic syndrome; Neoplastic Syndromes, Hereditary; Tumor predisposition; Hereditary Cancer Syndrome. Identifiers: Orphanet 140162, MedGen C0027672, MeSH D009386, MONDO:0015356.

Submissions (4):

Color Diagnostics, LLC DBA Color Health
Classification: Uncertain significance for Hereditary cancer-predisposing syndrome. Last evaluated: 2025-09-17. Review status: criteria provided, single submitter. Criteria: ACMG Guidelines, 2015. Collection method: clinical testing. Allele origin: germline.
Comment: This missense variant replaces glycine with serine at codon 2332 of the APC protein. Computational prediction suggests that this variant may not impact protein structure and function. APC is defined as a gene for which primarily truncating variants are known to cause disease (ClinGen HCCP VCEP). To our knowledge, functional studies have not been reported for this variant. This variant has not been reported in individuals affected with APC-related disorders in the literature. This variant has not been identified in the general population by the Genome Aggregation Database (gnomAD). The available evidence is insufficient to determine the role of this variant in disease conclusively. Therefore, this variant is classified as a Variant of Uncertain Significance.

Labcorp Genetics (formerly Invitae), Labcorp
Classification: Uncertain significance for Familial adenomatous polyposis 1. Last evaluated: 2024-12-29. Review status: criteria provided, single submitter. Criteria: Invitae Variant Classification Sherloc (09022015). Collection method: clinical testing. Allele origin: germline.
Comment: This sequence change replaces glycine, which is neutral and non-polar, with serine, which is neutral and polar, at codon 2332 of the APC protein (p.Gly2332Ser). This variant is not present in population databases (gnomAD no frequency). This variant has not been reported in the literature in individuals affected with APC-related conditions. ClinVar contains an entry for this variant (Variation ID: 559946). Invitae Evidence Modeling of protein sequence and biophysical properties (such as structural, functional, and spatial information, amino acid conservation, physicochemical variation, residue mobility, and thermodynamic stability) indicates that this missense variant is not expected to disrupt APC protein function with a negative predictive value of 95%. In summary, the available evidence is currently insufficient to determine the role of this variant in disease. Therefore, it has been classified as a Variant of Uncertain Significance.

Ambry Genetics
Classification: Uncertain significance for Hereditary cancer-predisposing syndrome. Last evaluated: 2021-05-07. Review status: criteria provided, single submitter. Criteria: Ambry Variant Classification Scheme 2023. Collection method: clinical testing. Allele origin: germline.
Comment: The p.G2332S variant (also known as c.6994G>A), located in coding exon 15 of the APC gene, results from a G to A substitution at nucleotide position 6994. The glycine at codon 2332 is replaced by serine, an amino acid with similar properties. This amino acid position is well conserved in available vertebrate species. In addition, in silico predictors for this gene do not accurately predict pathogenicity. Since supporting evidence is limited at this time, the clinical significance of this alteration remains unclear.

3DMed Clinical Laboratory Inc
Classification: Uncertain significance for Malignant tumor of sigmoid colon. Last evaluated: 2017-03-17. Review status: no assertion criteria provided. Criteria: ACMG Guidelines, 2015. Collection method: clinical testing. Allele origin: germline. Affected: yes. Not counted in ClinVar's aggregate classification.